The following is an entry in ClinVar:

ClinVar aggregate classification (germline): Uncertain significance. Review status: criteria provided, multiple submitters, no conflicts (2 of 4 stars). 2 submissions from 2 submitters: Uncertain significance (2). Last evaluated 2019-05-28.

Submissions (2):

Revvity Omics, Revvity
Classification: Uncertain significance. Last evaluated: 2019-05-28. Review status: criteria provided, single submitter. Criteria: ACMG Guidelines, 2015. Collection method: clinical testing. Allele origin: germline.

GeneDx
Classification: Uncertain significance. Last evaluated: 2016-09-22. Review status: criteria provided, single submitter. Criteria: GeneDx Variant Classification (06012015). Collection method: clinical testing. Allele origin: germline. Affected: yes.
Comment: The c.19761_19762delTA variant in the TTN gene has not been reported previously as a pathogenic variant nor as a benign variant, to our knowledge. It is not observed in large population cohorts (Lek et al., 2016; 1000 Genomes Consortium et al., 2015; Exome Variant Server). The c.19761_19762delTA variant causes a frameshift starting with codon Aspartic acid 6587, changes this amino acid to a Glutamic acid residue, and creates a premature Stop codon at position 3 of the new reading frame, denoted p.Asp6587GlufsX3. This variant is predicted to cause loss of normal protein function either through protein truncation or nonsense-mediated mRNA decay. However, the c.19761_19762delTA variant is not located in the A-band nor the M-line region of titin, where the majority of pathogenic truncating variants have been reported. Therefore, based on the currently available information, it is unclear whether this variant is a pathogenic variant or a rare benign variant.

NM_001267550.2(TTN):c.23493_23494del (p.Asp7831fs)

Gene: TTN (titin; minus strand). Cytogenetic location: 2q31.2.
Variant type: Deletion.
Coding change: c.23493_23494del on transcript NM_001267550.2 (MANE Select); coding-DNA positions 23493 to 23494, 2 bases deleted (TA; older notation c.23493_23494delTA).
Protein change: p.Asp7831fs; shifts the reading frame from aspartic acid 7831.
Molecular consequence: frameshift variant. On other transcripts: intron variant (3).
Genome position (GRCh38, 1-based): chr2:178,720,148-178,720,149, TA deleted on the plus strand (TA on the coding strand, the reverse complement: TTN is on the minus strand); deleting any 2 consecutive bases within chr2:178,720,148-178,720,150 gives the same sequence; the c. name uses the placement nearest the transcript's 3' end. VCF-style (leftmost placement, unchanged base first): chr2-178720147-CTA-C. GRCh37 (hg19) VCF-style: chr2-179584874-CTA-C.
Other names: c.22542_22543del, p.Asp7514fs (NM_001256850.1); c.19761_19762del, p.Asp6587fs (NM_133378.4); c.13282+17933_13282+17934del (NM_003319.4); c.13858+17933_13858+17934del (NM_133437.4); c.13657+17933_13657+17934del (NM_133432.3); c.22542_22543delTA (NM_001256850.1); short protein forms D6587fs, D7514fs, D7831fs.
Identifiers: ClinVar variation 373018 (VCV000373018.4), dbSNP rs1057518145, ClinGen allele CA16042454.